The following is an entry in ClinVar:

NM_001144758.3(PHLDB1):c.2586C>T (p.Ala862=)

Gene: PHLDB1 (pleckstrin homology like domain family B member 1; plus strand). Cytogenetic location: 11q23.3.
Variant type: single nucleotide variant.
Coding change: c.2586C>T on transcript NM_001144758.3 (MANE Select); coding-DNA position 2586, C replaced by T.
Protein change: p.Ala862=; no amino-acid change (alanine 862 retained).
Molecular consequence: synonymous variant.
Genome position (GRCh38, 1-based): chr11:118,638,941, C>T. VCF-style: chr11-118638941-C-T. GRCh37 (hg19) VCF-style: chr11-118509659-C-T.
Other names: c.2586C>T, p.Ala862= (NM_001144759.3, NM_015157.4).
Identifiers: ClinVar variation 2642441 (VCV002642441.24), dbSNP rs34608961, ClinGen allele CA6307030.

ClinVar aggregate classification (germline): Likely benign (1 of 4 stars; one submission).

Allele frequency attached by ClinVar (database versions not stated): 1000 Genomes Project 30x 0.00078; 1000 Genomes Project 0.00100; gnomAD 0.00373; ExAC 0.00417; ESP Exome Variant Server 0.00439.
gnomAD v4.1: 8,164 of 1,613,570 alleles (0.51%); highest among the groups gnomAD compares: Non-Finnish European, 0.56%; 38 homozygotes.

Submission:

CeGaT Center for Human Genetics Tuebingen
Classification: Likely benign. Last evaluated: 2026-01-01. Review status: criteria provided, single submitter. Criteria: CeGaT Center For Human Genetics Tuebingen Variant Classification Criteria Version 2. Collection method: clinical testing. Allele origin: germline. Affected: yes. Observed: 2 variant alleles.
Comment: PHLDB1: BP4, BP7, BS2